The following is an entry in ClinVar:

NC_000002.11:g.(232072966_232079543)_(232104755_232121298)dup

Gene: ARMC9 (armadillo repeat containing 9; plus strand). Cytogenetic location: 2q37.1.
Variant type: Duplication.
Identifiers: ClinVar variation 3068771 (VCV003068771.1).

ClinVar aggregate classification (germline): Uncertain significance (1 of 4 stars; one submission).

Submission:

Women's Health and Genetics/Laboratory Corporation of America, LabCorp
Classification: Uncertain significance. Last evaluated: 2024-02-20. Review status: criteria provided, single submitter. Criteria: LabCorp Variant Classification Summary - May 2015. Collection method: clinical testing. Allele origin: germline.
Comment: Variant summary: The variant involves the duplication of exons 4-9 in the ARMC9 gene. A presumed nomenclature of c.(177+1_178-1)_(879+1_880-1)dup has been designated for the purposes of this classification. It is assumed to be a tandem duplication in direct orientation (PMIDs: 25640679, 30054569). This Copy Number Variant (CNV) is predicted to result in an in-frame duplication within this gene. The variant was absent in 120780 control chromosomes in the gnomAD database (Structural Variants v4.0 dataset). The available data on variant occurrences in the general population are insufficient to allow any conclusion about variant significance. To our knowledge, no occurrence of c.(177+1_178-1)_(879+1_880-1)dup in individuals affected with ARMC9-Related Joubert Syndrome and no experimental evidence demonstrating its impact on protein function have been reported. No submitters have cited clinical-significance assessments for this variant to ClinVar. Based on the evidence outlined above, the variant was classified as uncertain significance.